The following is an entry in ClinVar:

NM_198904.4(GABRG2):c.1337T>A (p.Ile446Asn)

Gene: GABRG2 (gamma-aminobutyric acid type A receptor subunit gamma2; plus strand). Cytogenetic location: 5q34.
Variant type: single nucleotide variant.
Coding change: c.1337T>A on transcript NM_198904.4 (MANE Select); coding-DNA position 1337, T replaced by A.
Protein change: p.Ile446Asn; replaces isoleucine 446 with asparagine.
Molecular consequence: missense variant. On other transcripts: 3 prime UTR variant (1).
Genome position (GRCh38, 1-based): chr5:162,153,277, T>A. VCF-style: chr5-162153277-T-A. GRCh37 (hg19) VCF-style: chr5-161580283-T-A.
Other names: c.1313T>A, p.Ile438Asn (NM_000816.3); c.1328T>A, p.Ile443Asn (NM_001375339.1); c.*171T>A (NM_001375340.1); c.1334T>A, p.Ile445Asn (NM_001375341.1); c.1310T>A, p.Ile437Asn (NM_001375342.1); c.1433T>A, p.Ile478Asn (NM_001375343.1); c.1376T>A, p.Ile459Asn (NM_001375344.1); c.1247T>A, p.Ile416Asn (NM_001375345.1); and 6 more; short protein forms I298N, I306N, I343N, I416N, I417N, I424N, I437N, I438N.
Identifiers: ClinVar variation 1343049 (VCV001343049.7), dbSNP rs2113651245, ClinGen allele CA362183863.

ClinVar aggregate classification (germline): Uncertain significance. Review status: criteria provided, multiple submitters, no conflicts (2 of 4 stars). 2 submissions from 2 submitters: Uncertain significance (2). Last evaluated 2023-09-29.

Conditions:
EPILEPSY, CHILDHOOD ABSENCE, SUSCEPTIBILITY TO, 2 (ECA2). Identifiers: Orphanet 64280, MedGen C1843244, OMIM 607681.
Febrile seizures, familial, 8 (FEB8). Also called: CONVULSIONS, FAMILIAL FEBRILE, 8. Identifiers: Orphanet 36387, MedGen C1969810, MONDO:0011891, OMIM 607681.

Submissions (2):

Labcorp Genetics (formerly Invitae), Labcorp
Classification: Uncertain significance for Febrile seizures, familial, 8; EPILEPSY, CHILDHOOD ABSENCE, SUSCEPTIBILITY TO, 2. Last evaluated: 2023-09-29. Review status: criteria provided, single submitter. Criteria: Invitae Variant Classification Sherloc (09022015). Collection method: clinical testing. Allele origin: germline.
Comment: In summary, the available evidence is currently insufficient to determine the role of this variant in disease. Therefore, it has been classified as a Variant of Uncertain Significance. Advanced modeling of protein sequence and biophysical properties (such as structural, functional, and spatial information, amino acid conservation, physicochemical variation, residue mobility, and thermodynamic stability) performed at Invitae indicates that this missense variant is expected to disrupt GABRG2 protein function. ClinVar contains an entry for this variant (Variation ID: 1343049). This variant has not been reported in the literature in individuals affected with GABRG2-related conditions. This variant is not present in population databases (gnomAD no frequency). This sequence change replaces isoleucine, which is neutral and non-polar, with asparagine, which is neutral and polar, at codon 438 of the GABRG2 protein (p.Ile438Asn).

GeneDx
Classification: Uncertain significance. Last evaluated: 2023-03-27. Review status: criteria provided, single submitter. Criteria: GeneDx Variant Classification Process June 2021. Collection method: clinical testing. Allele origin: germline. Affected: yes.
Comment: Not observed at significant frequency in large population cohorts (gnomAD); In silico analysis supports that this missense variant has a deleterious effect on protein structure/function; Has not been previously published as pathogenic or benign to our knowledge